The following is an entry in ClinVar:

ClinVar aggregate classification (germline): Uncertain significance (1 of 4 stars; one submission).

Conditions:
Intellectual developmental disorder, X-linked 1. Also called: Atkin Flaitz Patil Smith syndrome; MENTAL RETARDATION, X-LINKED 18; MENTAL RETARDATION, X-LINKED 78; Intellectual disability, X-linked 1. Identifiers: Orphanet 777, MedGen C2931498, MONDO:0010656, OMIM 309530.

Submission:

Labcorp Genetics (formerly Invitae), Labcorp
Classification: Uncertain significance for Intellectual developmental disorder, X-linked 1. Last evaluated: 2025-05-26. Review status: criteria provided, single submitter. Criteria: Invitae Variant Classification Sherloc (09022015). Collection method: clinical testing. Allele origin: germline.
Comment: This sequence change replaces leucine, which is neutral and non-polar, with phenylalanine, which is neutral and non-polar, at codon 591 of the IQSEC2 protein (p.Leu591Phe). This variant is not present in population databases (gnomAD no frequency). This variant has not been reported in the literature in individuals affected with IQSEC2-related conditions. Invitae Evidence Modeling of protein sequence and biophysical properties (such as structural, functional, and spatial information, amino acid conservation, physicochemical variation, residue mobility, and thermodynamic stability) has been performed for this missense variant. However, the output from this modeling did not meet the statistical confidence thresholds required to predict the impact of this variant on IQSEC2 protein function. In summary, the available evidence is currently insufficient to determine the role of this variant in disease. Therefore, it has been classified as a Variant of Uncertain Significance.

NM_001111125.3(IQSEC2):c.1771C>T (p.Leu591Phe)

Gene: IQSEC2 (IQ motif and Sec7 domain ArfGEF 2; minus strand). Cytogenetic location: Xp11.22.
Variant type: single nucleotide variant.
Coding change: c.1771C>T on transcript NM_001111125.3 (MANE Select); coding-DNA position 1771, C replaced by T.
Protein change: p.Leu591Phe; replaces leucine 591 with phenylalanine.
Molecular consequence: missense variant.
Genome position (GRCh38, 1-based): chrX:53,250,805, G>A on the plus strand (C>T on the coding strand, the complement: IQSEC2 is on the minus strand). VCF-style: chrX-53250805-G-A. GRCh37 (hg19) VCF-style: chrX-53279987-G-A.
Other names: c.1771C>T, p.Leu591Phe (NM_001410736.1, NM_001441092.1); c.1273C>T, p.Leu425Phe (NM_001441093.1); c.1060C>T, p.Leu354Phe (NM_001441094.1, NM_001441095.1); c.1156C>T, p.Leu386Phe (NM_015075.2); short protein forms L354F, L386F, L425F, L591F.
Identifiers: ClinVar variation 4801020 (VCV004801020.1).